The following is an entry in ClinVar:

ClinVar aggregate classification (germline): Uncertain significance (1 of 4 stars; one submission).

Conditions:
Inborn genetic diseases. Identifiers: MedGen C0950123, MeSH D030342.

gnomAD v4.1: 3 of 1,614,132 alleles (0.00019%); highest among the groups gnomAD compares: Non-Finnish European, 0.00025%; no homozygotes.

Submission:

Ambry Genetics
Classification: Uncertain significance for Inborn genetic diseases. Last evaluated: 2026-06-06. Review status: criteria provided, single submitter. Criteria: Ambry Variant Classification Scheme 2023. Collection method: clinical testing. Allele origin: germline.
Comment: The p.L1338F variant (also known as c.4012C>T), located in coding exon 41 of the FANCA gene, results from a C to T substitution at nucleotide position 4012. The leucine at codon 1338 is replaced by phenylalanine, an amino acid with highly similar properties. This amino acid position is conserved. In addition, the in silico prediction for this alteration is inconclusive. Based on the available evidence, the clinical significance of this variant remains unclear.

NM_000135.4(FANCA):c.4012C>T (p.Leu1338Phe)

Genes: FANCA (FA complementation group A; minus strand), ZNF276 (zinc finger protein 276; plus strand). Cytogenetic location: 16q24.3.
Variant type: single nucleotide variant.
Coding change: c.4012C>T on transcript NM_000135.4 (MANE Select); coding-DNA position 4012, C replaced by T.
Protein change: p.Leu1338Phe; replaces leucine 1338 with phenylalanine.
Molecular consequence: missense variant. On other transcripts: 3 prime UTR variant (2), non-coding transcript variant (4).
Genome position (GRCh38, 1-based): chr16:89,739,288, G>A on the plus strand (C>T on the coding strand, the complement: FANCA is on the minus strand). VCF-style: chr16-89739288-G-A. GRCh37 (hg19) VCF-style: chr16-89805696-G-A.
Other names: c.4012C>T, p.Leu1338Phe (NM_001286167.3); c.*1042G>A (NM_001113525.2, NM_152287.4); short protein forms L1338F.
Identifiers: ClinVar variation 4870906 (VCV004870906.1).